The following is an entry in ClinVar:

ClinVar aggregate classification (germline): Likely benign (1 of 4 stars; one submission).

Conditions:
Malignant hyperthermia, susceptibility to, 1 (MHS1). Also called: Anesthesia related hyperthermia; Malignant hyperpyrexia; Fulminating hyperpyrexia; Pharmacogenic myopathy; RYR1-Related Malignant Hyperthermia Susceptibility; Malignant hyperthermia suceptibility 1. Identifiers: Orphanet 423, MedGen C2930980, MONDO:0007783, OMIM 145600.

Submission:

All of Us Research Program, National Institutes of Health
Classification: Likely benign for Malignant hyperthermia, susceptibility to, 1. Last evaluated: 2023-10-27. Review status: criteria provided, single submitter. Criteria: ACMG Guidelines, 2015. Collection method: clinical testing. Allele origin: germline. Inheritance: Autosomal dominant inheritance. Observed: 1 variant allele, 1 heterozygote.
Comment: This study involves interpretation of variants in research participants for the purpose of population health screening. Participant phenotype was not available at the time of variant classification. Additional details can be found in publication PMID: 35346344, PMCID: PMC8962531

NM_000540.3(RYR1):c.9686-15G>T

Gene: RYR1 (ryanodine receptor 1; plus strand). Cytogenetic location: 19q13.2.
Variant type: single nucleotide variant.
Coding change: c.9686-15G>T on transcript NM_000540.3 (MANE Select); 15 bases into the intron before coding-DNA position 9686, G replaced by T.
Molecular consequence: intron variant.
Genome position (GRCh38, 1-based): chr19:38,517,344, G>T. VCF-style: chr19-38517344-G-T. GRCh37 (hg19) VCF-style: chr19-39007984-G-T.
Other names: c.9686-15G>T (NM_001042723.2).
Identifiers: ClinVar variation 3074173 (VCV003074173.1), dbSNP rs551076978, ClinGen allele CA2335061980.
Genomic context (GRCh38, chr19:38,517,344, plus strand): 5'-ATTGCGGGGGAGGCCAGGGCACTGAGGTCTGGGGGTGATGGCTTGACATTCCCTGCCCCC[G>T]TCCCTGTACCCCAGTCCTGGGGCTCCCCAACAGTGTGGAGGAGATGTGTCCCGACATCCC-3'